The following is an entry in ClinVar:

NM_006785.4(MALT1):c.700A>G (p.Thr234Ala)

Gene: MALT1 (MALT1 paracaspase; plus strand). Cytogenetic location: 18q21.32.
Variant type: single nucleotide variant.
Coding change: c.700A>G on transcript NM_006785.4 (MANE Select); coding-DNA position 700, A replaced by G.
Protein change: p.Thr234Ala; replaces threonine 234 with alanine.
Molecular consequence: missense variant.
Genome position (GRCh38, 1-based): chr18:58,709,428, A>G. VCF-style: chr18-58709428-A-G. GRCh37 (hg19) VCF-style: chr18-56376660-A-G.
Other names: c.700A>G, p.Thr234Ala (NM_173844.3); short protein forms T234A.
Identifiers: ClinVar variation 1486578 (VCV001486578.6), dbSNP rs748542076, ClinGen allele CA8977702.

ClinVar aggregate classification (germline): Uncertain significance (1 of 4 stars; one submission).

Conditions:
Combined immunodeficiency due to MALT1 deficiency. Also called: Immunodeficiency 12. Identifiers: Orphanet 397964, MedGen C3809583, MONDO:0014197, OMIM 615468.

Allele frequency attached by ClinVar (database versions not stated): gnomAD exomes 0.00002; ExAC 0.00002.
gnomAD v4.1: 11 of 1,611,430 alleles (0.00068%); highest among the groups gnomAD compares: South Asian, 0.0055%; no homozygotes.

Submission:

Labcorp Genetics (formerly Invitae), Labcorp
Classification: Uncertain significance for Combined immunodeficiency due to MALT1 deficiency. Last evaluated: 2023-08-23. Review status: criteria provided, single submitter. Criteria: Invitae Variant Classification Sherloc (09022015). Collection method: clinical testing. Allele origin: germline.
Comment: This sequence change replaces threonine, which is neutral and polar, with alanine, which is neutral and non-polar, at codon 234 of the MALT1 protein (p.Thr234Ala). This variant is present in population databases (rs748542076, gnomAD 0.01%). In summary, the available evidence is currently insufficient to determine the role of this variant in disease. Therefore, it has been classified as a Variant of Uncertain Significance. Advanced modeling of protein sequence and biophysical properties (such as structural, functional, and spatial information, amino acid conservation, physicochemical variation, residue mobility, and thermodynamic stability) performed at Invitae indicates that this missense variant is not expected to disrupt MALT1 protein function. ClinVar contains an entry for this variant (Variation ID: 1486578). This variant has not been reported in the literature in individuals affected with MALT1-related conditions.